The following is an entry in ClinVar:

ClinVar aggregate classification (germline): Uncertain significance (1 of 4 stars; one submission).

Conditions:
Inborn genetic diseases. Identifiers: MedGen C0950123, MeSH D030342.

Submission:

Ambry Genetics
Classification: Uncertain significance for Inborn genetic diseases. Last evaluated: 2026-03-07. Review status: criteria provided, single submitter. Criteria: Ambry Variant Classification Scheme 2023. Collection method: clinical testing. Allele origin: germline.
Comment: The p.I416L variant (also known as c.1246A>T), located in coding exon 9 of the BMPR2 gene, results from an A to T substitution at nucleotide position 1246. The isoleucine at codon 416 is replaced by leucine, an amino acid with highly similar properties. This amino acid position is conserved. In addition, the in silico prediction for this alteration is inconclusive. Based on the available evidence, the clinical significance of this variant remains unclear.

NM_001204.7(BMPR2):c.1246A>T (p.Ile416Leu)

Gene: BMPR2 (bone morphogenetic protein receptor type 2; plus strand). Cytogenetic location: 2q33.2.
Variant type: single nucleotide variant.
Coding change: c.1246A>T on transcript NM_001204.7 (MANE Select); coding-DNA position 1246, A replaced by T.
Protein change: p.Ile416Leu; replaces isoleucine 416 with leucine.
Molecular consequence: missense variant.
Genome position (GRCh38, 1-based): chr2:202,532,702, A>T. VCF-style: chr2-202532702-A-T. GRCh37 (hg19) VCF-style: chr2-203397425-A-T.
Other names: short protein forms I416L.
Identifiers: ClinVar variation 4827190 (VCV004827190.1).